The following is an entry in ClinVar:

NM_052813.5(CARD9):c.820dup (p.Asp274fs)

Gene: CARD9 (caspase recruitment domain family member 9; minus strand). Cytogenetic location: 9q34.3.
Variant type: Duplication.
Coding change: c.820dup on transcript NM_052813.5 (MANE Select); coding-DNA position 820, one base duplicated (G; older notation c.820dupG).
Protein change: p.Asp274fs; shifts the reading frame from aspartic acid 274.
Molecular consequence: frameshift variant.
Genome position (GRCh38, 1-based): chr9:136,370,425, C duplicated on the plus strand (G on the coding strand, the reverse complement: CARD9 is on the minus strand); the first of 2 consecutive C bases (chr9:136,370,425-136,370,426); duplicating either gives the same sequence. VCF-style (leftmost placement, unchanged base first): chr9-136370424-T-TC. GRCh37 (hg19) VCF-style: chr9-139264876-T-TC.
Other names: c.820dup, p.Asp274fs (NM_052814.4); c.819dup (NM_052813.5); short protein forms D274fs.
Identifiers: ClinVar variation 1698432 (VCV001698432.6), dbSNP rs753050033, ClinGen allele CA5332958.

ClinVar aggregate classification (germline): Pathogenic/Likely pathogenic. Review status: criteria provided, multiple submitters, no conflicts (2 of 4 stars). 3 submissions from 3 submitters: Pathogenic (1); Likely pathogenic (1). 1 of the submissions does not count toward it. Last evaluated 2023-06-27.

Conditions:
Predisposition to invasive fungal disease due to CARD9 deficiency (IMD103). Also called: CARD9 IMMUNODEFICIENCY; IMMUNODEFICIENCY 103, SUSCEPTIBILITY TO FUNGAL INFECTIONS; Candidiasis, familial, 2, autosomal recessive. Identifiers: Orphanet 457088, MedGen C1859353, MONDO:0008905, OMIM 212050.

Submissions (3):

Labcorp Genetics (formerly Invitae), Labcorp
Classification: Pathogenic for Predisposition to invasive fungal disease due to CARD9 deficiency. Last evaluated: 2023-06-27. Review status: criteria provided, single submitter. Criteria: Invitae Variant Classification Sherloc (09022015). Collection method: clinical testing. Allele origin: germline.
Comment: For these reasons, this variant has been classified as Pathogenic. ClinVar contains an entry for this variant (Variation ID: 1698432). This variant is also known as c.819-820insG (p.D274fsX60). This premature translational stop signal has been observed in individual(s) with clinical features of CARD9 deficiency (PMID: 24231284). This variant is present in population databases (rs753050033, gnomAD 0.05%). This sequence change creates a premature translational stop signal (p.Asp274Glyfs*61) in the CARD9 gene. It is expected to result in an absent or disrupted protein product. Loss-of-function variants in CARD9 are known to be pathogenic (PMID: 19864672, 24131138, 24231284).

Juno Genomics, Hangzhou Juno Genomics, Inc
Classification: Likely pathogenic for Predisposition to invasive fungal disease due to CARD9 deficiency. Review status: criteria provided, single submitter. Criteria: ACMG Guidelines, 2015. Collection method: clinical testing. Allele origin: germline. Affected: yes.
Comment: Absent from controls (or at extremely low frequency if recessive) in Genome Aggregation Database, Exome Sequencing Project, 1000 Genomes Project, or Exome Aggregation Consortium.;For recessive disorders, detected in trans with a pathogenic variant.;Patient's phenotype or family history is highly specific for a disease with a single genetic etiology.

OMIM
Classification: risk factor for IMMUNODEFICIENCY 103, SUSCEPTIBILITY TO FUNGAL INFECTIONS. Last evaluated: 2022-07-27. Review status: no assertion criteria provided. Collection method: literature only. Allele origin: germline. Not counted in ClinVar's aggregate classification.

Literature cited by the submitters: PubMed 24231284 (cited by Labcorp Genetics (formerly Invitae), Labcorp); PubMed 19864672 (cited by Labcorp Genetics (formerly Invitae), Labcorp); PubMed 24131138 (cited by Labcorp Genetics (formerly Invitae), Labcorp); PubMed 29080677 (cited by OMIM).